The following is an entry in ClinVar:

ClinVar aggregate classification (germline): Conflicting classifications of pathogenicity. Review status: criteria provided, conflicting classifications (1 of 4 stars). 7 submissions from 7 submitters: Pathogenic (2); Likely pathogenic (2); Uncertain significance (3). Last evaluated 2026-09-08.

Conditions:
Fabry disease. Also called: Fabry's disease; Angiokeratoma corporis diffusum; ALPHA-GALACTOSIDASE A DEFICIENCY; ANDERSON-FABRY DISEASE; CERAMIDE TRIHEXOSIDASE DEFICIENCY; Ceramide trihexosidosis. Identifiers: Orphanet 324, MedGen C0002986, MONDO:0010526, OMIM 301500, HP:0001071. Disease mechanism: loss of function, Fabry disease is due to inactivating mutations in the X-linked GLA gene resulting in deficiency of the enzyme Alpha Galactosidase-A..

Allele frequency attached by ClinVar (database versions not stated): TOPMed 0.00001.
gnomAD v4.1: 3 of 1,201,895 alleles (0.00025%); highest among the groups gnomAD compares: Non-Finnish European, 0.00034%; no homozygotes.

Submissions (7):

Genomenon, Inc
Classification: Pathogenic for Fabry disease. Last evaluated: 2026-09-08. Review status: criteria provided, single submitter. Criteria: Genomenon Sequence Variant Interpretation Standards - Updated. Collection method: curation. Allele origin: germline. Affected: yes.
Comment: GLA c.369+5G>T is an intronic variant located in the donor splice region of intron 2. This variant has been observed in at least one proband with clinical features consistent with Fabry disease (PMID:30571380). Functional or patient cell studies have been reported (PMID:39669636). At least one splicing study has demonstrated that this variant results in aberrant splicing (PMID:37254000). It is absent or not present at a significant frequency in gnomAD. In conclusion, we classify GLA c.369+5G>T as a pathogenic variant.

Labcorp Genetics (formerly Invitae), Labcorp
Classification: Pathogenic for Fabry disease. Last evaluated: 2026-01-05. Review status: criteria provided, single submitter. Criteria: Invitae Variant Classification Sherloc (09022015). Collection method: clinical testing. Allele origin: germline.
Comment: This sequence change falls in intron 2 of the GLA gene. It does not directly change the encoded amino acid sequence of the GLA protein. It affects a nucleotide within the consensus splice site. This variant is not present in population databases (gnomAD no frequency). This variant has been observed in individual(s) with Fabry disease (PMID: 25619383, 29437868, 39669636). ClinVar contains an entry for this variant (Variation ID: 92552). Variants that disrupt the consensus splice site are a relatively common cause of aberrant splicing (PMID: 17576681, 9536098). Studies have shown that this variant alters mRNA splicing and is expected to lead to the loss of protein expression (PMID: 37254000). For these reasons, this variant has been classified as Pathogenic.

GeneDx
Classification: Likely pathogenic. Last evaluated: 2025-08-01. Review status: criteria provided, single submitter. Criteria: GeneDx Variant Classification Process June 2021. Collection method: clinical testing. Allele origin: germline. Affected: yes.
Comment: Intronic variant directly or indirectly altering the +5 splice site in a gene for which loss of function is a known mechanism of disease, and splice predictors support a deleterious effect; Not observed at significant frequency in large population cohorts (gnomAD); This variant is associated with the following publications: (PMID: 27657681, 37254000, 25619383, 39669636, 30571380, 29437868, 26593248, 25149322)

Revvity Omics, Revvity
Classification: Likely pathogenic. Last evaluated: 2024-01-29. Review status: criteria provided, single submitter. Criteria: ACMG Guidelines, 2015. Collection method: clinical testing. Allele origin: germline.

Women's Health and Genetics/Laboratory Corporation of America, LabCorp
Classification: Uncertain significance. Last evaluated: 2021-07-28. Review status: criteria provided, single submitter. Criteria: LabCorp Variant Classification Summary - May 2015. Collection method: clinical testing. Allele origin: germline.
Comment: Variant summary: GLA c.369+5G>T alters a conserved nucleotide located close to a canonical splice site and therefore could affect mRNA splicing, leading to a significantly altered protein sequence. Several computational tools predict a significant impact on normal splicing: Three predict the variant abolishes a 5 splicing donor site. Three predict the variant creates a cryptic 3 acceptor site. However, these predictions have yet to be confirmed by functional studies. The variant was absent in 182826 control chromosomes (gnomAD). c.369+5G>T has been reported in the literature in male patients affected with both classic and non-classic form of Fabry Disease as well as in female patients (Abaoui_2016, Arends_2018, Hollander_2015, Auray-Blais_2010, Yogasundaram_2018). However, none of these studies report X-inactivation studies performed on female patients. These data indicate that the variant may be associated with disease. To our knowledge, no experimental evidence demonstrating an impact on protein function has been reported. One ClinVar submitters (evaluation after 2014) cite the variant as uncertain significance. Based on the evidence outlined above, the variant was classified as VUS-possibly pathogenic.

Genome-Nilou Lab
Classification: Uncertain significance for Fabry disease. Last evaluated: 2021-07-15. Review status: criteria provided, single submitter. Criteria: ACMG Guidelines, 2015. Collection method: clinical testing. Allele origin: germline. Affected: no.

Eurofins Ntd Llc (ga)
Classification: Uncertain significance. Last evaluated: 2018-05-15. Review status: criteria provided, single submitter. Criteria: EGL ClinVar v180209 classification definitions. Collection method: clinical testing. Allele origin: germline. Observed: 4 variant alleles, 3 heterozygotes, 1 hemizygote.

Literature cited by the submitters: PubMed 30571380 (cited by Genomenon, Inc and Women's Health and Genetics/Laboratory Corporation of America, LabCorp); PubMed 39669636 (cited by Genomenon, Inc and Labcorp Genetics (formerly Invitae), Labcorp); PubMed 37254000 (cited by Genomenon, Inc and Labcorp Genetics (formerly Invitae), Labcorp); PubMed 25619383 (cited by Labcorp Genetics (formerly Invitae), Labcorp and Women's Health and Genetics/Laboratory Corporation of America, LabCorp); PubMed 29437868 (cited by Labcorp Genetics (formerly Invitae), Labcorp and Women's Health and Genetics/Laboratory Corporation of America, LabCorp); PubMed 17576681 (cited by Labcorp Genetics (formerly Invitae), Labcorp); PubMed 9536098 (cited by Labcorp Genetics (formerly Invitae), Labcorp); PubMed 25149322 (cited by Women's Health and Genetics/Laboratory Corporation of America, LabCorp); PubMed 26593248 (cited by Women's Health and Genetics/Laboratory Corporation of America, LabCorp).

NM_000169.3(GLA):c.369+5G>T

Genes: GLA (galactosidase alpha; minus strand), RPL36A-HNRNPH2 (RPL36A-HNRNPH2 readthrough; plus strand). Cytogenetic location: Xq22.1.
Variant type: single nucleotide variant.
Coding change: c.369+5G>T on transcript NM_000169.3 (MANE Select); 5 bases into the intron after coding-DNA position 369, G replaced by T.
Molecular consequence: intron variant.
Genome position (GRCh38, 1-based): chrX:101,403,806, C>A on the plus strand (G>T on the coding strand, the complement: GLA is on the minus strand). VCF-style: chrX-101403806-C-A. GRCh37 (hg19) VCF-style: chrX-100658794-C-A.
Other names: c.301-8130C>A (NM_001199973.2); c.178-8130C>A (NM_001199974.2); c.492+5G>T (NM_001406747.1, NM_001406749.1); c.369+5G>T (NM_001406748.1).
Identifiers: ClinVar variation 92552 (VCV000092552.19), dbSNP rs398123209, ClinGen allele CA021680.